The following is an entry in ClinVar:

NM_001042492.3(NF1):c.6470C>T (p.Ser2157Leu)

Gene: NF1 (neurofibromin 1; plus strand). Cytogenetic location: 17q11.2.
Variant type: single nucleotide variant.
Coding change: c.6470C>T on transcript NM_001042492.3 (MANE Select); coding-DNA position 6470, C replaced by T.
Protein change: p.Ser2157Leu; replaces serine 2157 with leucine.
Molecular consequence: missense variant.
Genome position (GRCh38, 1-based): chr17:31,337,410, C>T. VCF-style: chr17-31337410-C-T. GRCh37 (hg19) VCF-style: chr17-29664428-C-T.
Other names: c.6407C>T, p.Ser2136Leu (NM_000267.4); short protein forms S2136L, S2157L.
Identifiers: ClinVar variation 582941 (VCV000582941.5), dbSNP rs774161532, ClinGen allele CA8487361.

ClinVar aggregate classification (germline): Uncertain significance (1 of 4 stars; one submission).

Conditions:
Neurofibromatosis, type 1 (NF1). Also called: Peripheral type neurofibromatosis; VON RECKLINGHAUSEN DISEASE; NEUROFIBROMATOSIS, TYPE I, SOMATIC; Neurofibromatosis, type I. Identifiers: Orphanet 636, MedGen C0027831, MONDO:0018975, OMIM 162200. Disease mechanism: loss of function.

Allele frequency attached by ClinVar (database versions not stated): gnomAD exomes 0.00001 and below 0.00001; ExAC 0.00002.
gnomAD v4.1: 1 of 1,614,112 alleles (0.000062%); no homozygotes.

Submission:

Labcorp Genetics (formerly Invitae), Labcorp
Classification: Uncertain significance for Neurofibromatosis, type 1. Last evaluated: 2020-02-20. Review status: criteria provided, single submitter. Criteria: Invitae Variant Classification Sherloc (09022015). Collection method: clinical testing. Allele origin: germline.
Comment: This variant has not been reported in the literature in individuals with NF1-related disease. Algorithms developed to predict the effect of missense changes on protein structure and function do not agree on the potential impact of this missense change (SIFT: "Deleterious"; PolyPhen-2: "Probably Damaging"; Align-GVGD: "Class C0"). In summary, the available evidence is currently insufficient to determine the role of this variant in disease. Therefore, it has been classified as a Variant of Uncertain Significance. This variant is present in population databases (rs774161532, ExAC 0.01%). This sequence change replaces serine with leucine at codon 2136 of the NF1 protein (p.Ser2136Leu). The serine residue is moderately conserved and there is a large physicochemical difference between serine and leucine.